The following is an entry in ClinVar:

ClinVar aggregate classification (germline): Benign. Review status: criteria provided, multiple submitters, no conflicts (2 of 4 stars). 5 submissions from 5 submitters: Benign (5). Last evaluated 2026-02-03.

Conditions:
Hyperaldosteronism, familial, type IV (HALD4). Also called: FH IV; ALDOSTERONISM, PRIMARY, AND HYPERTENSION. Identifiers: Orphanet 642671, MedGen C4310756, MONDO:0014875, OMIM 617027.
Idiopathic generalized epilepsy. Also called: Generalised epilepsy; EIG. Identifiers: MedGen C0270850, MONDO:0005579, OMIM 600669.

Allele frequency attached by ClinVar (database versions not stated): gnomAD exomes 0.02483 and 0.03451; ExAC 0.04091; ESP Exome Variant Server 0.04338; gnomAD 0.05208 and 0.05247; TOPMed 0.05806; 1000 Genomes Project 30x 0.07292; 1000 Genomes Project 0.07548.
gnomAD v4.1: 43,054 of 1,550,202 alleles (2.8%); highest among the groups gnomAD compares: African/African-American, 13%; 1,192 homozygotes.

Submissions (5):

Labcorp Genetics (formerly Invitae), Labcorp
Classification: Benign for Idiopathic generalized epilepsy; Hyperaldosteronism, familial, type IV. Last evaluated: 2026-02-03. Review status: criteria provided, single submitter. Criteria: Invitae Variant Classification Sherloc (09022015). Collection method: clinical testing. Allele origin: germline.

Athena Diagnostics
Classification: Benign. Last evaluated: 2025-10-15. Review status: criteria provided, single submitter. Criteria: Athena Diagnostics Criteria. Collection method: clinical testing. Allele origin: unknown.
Comment: The frequency of this variant in the general population is higher than would generally be expected for pathogenic variants in this gene.

Mayo Clinic Laboratories, Mayo Clinic
Classification: Benign. Last evaluated: 2024-12-13. Review status: criteria provided, single submitter. Criteria: ACMG Guidelines, 2015. Collection method: clinical testing. Allele origin: germline. Observed: 3 variant alleles.
Comment: BA1, BS2

GeneDx
Classification: Benign. Last evaluated: 2020-01-27. Review status: criteria provided, single submitter. Criteria: GeneDx Variant Classification Process June 2021. Collection method: clinical testing. Allele origin: germline. Affected: yes.

Breakthrough Genomics
Classification: Benign. Review status: criteria provided, single submitter. Criteria: ACMG Guidelines, 2015. Collection method: not provided. Allele origin: germline. Inheritance: Autosomal dominant inheritance. Affected: yes.

Literature cited by the submitters: PubMed 24972929 (cited by Athena Diagnostics).

NM_021098.3(CACNA1H):c.5921A>G (p.Glu1974Gly)

Gene: CACNA1H (calcium voltage-gated channel subunit alpha1 H; plus strand). Cytogenetic location: 16p13.3.
Variant type: single nucleotide variant.
Coding change: c.5921A>G on transcript NM_021098.3 (MANE Select); coding-DNA position 5921, A replaced by G.
Protein change: p.Glu1974Gly; replaces glutamic acid 1974 with glycine.
Molecular consequence: missense variant.
Genome position (GRCh38, 1-based): chr16:1,219,003, A>G. VCF-style: chr16-1219003-A-G. GRCh37 (hg19) VCF-style: chr16-1269003-A-G.
Other names: c.5903A>G, p.Glu1968Gly (NM_001005407.2); short protein forms E1974G, E1968G.
Identifiers: ClinVar variation 446956 (VCV000446956.15), dbSNP rs3751886, ClinGen allele CA7802174.